The following is an entry in ClinVar:

ClinVar aggregate classification (germline): Likely pathogenic (1 of 4 stars; one submission).

Conditions:
Beta-D-mannosidosis (MANSB). Also called: MANNOSIDOSIS, BETA A, LYSOSOMAL; BETA-MANNOSIDASE DEFICIENCY; LYSOSOMAL BETA-MANNOSIDASE DEFICIENCY; Beta-Mannosidosis. Identifiers: Orphanet 118, MedGen C4048196, MONDO:0009562, OMIM 248510.

Allele frequency attached by ClinVar (database versions not stated): gnomAD exomes below 0.00001; ExAC 0.00001.
gnomAD v4.1: 2 of 1,426,362 alleles (0.00014%); highest among the groups gnomAD compares: Non-Finnish European, 0.0002%; no homozygotes.

Submission:

Labcorp Genetics (formerly Invitae), Labcorp
Classification: Likely pathogenic for Beta-D-mannosidosis. Last evaluated: 2024-01-18. Review status: criteria provided, single submitter. Criteria: Invitae Variant Classification Sherloc (09022015). Collection method: clinical testing. Allele origin: germline.
Comment: This sequence change affects an acceptor splice site in intron 1 of the MANBA gene. It is expected to disrupt RNA splicing. Variants that disrupt the donor or acceptor splice site typically lead to a loss of protein function (PMID: 16199547), and loss-of-function variants in MANBA are known to be pathogenic (PMID: 9384606, 12468273). This variant is present in population databases (rs769079323, gnomAD 0.0009%). This variant has not been reported in the literature in individuals affected with MANBA-related conditions. Algorithms developed to predict the effect of sequence changes on RNA splicing suggest that this variant may disrupt the consensus splice site. In summary, the currently available evidence indicates that the variant is pathogenic, but additional data are needed to prove that conclusively. Therefore, this variant has been classified as Likely Pathogenic.

Literature cited by the submitters: PubMed 16199547; PubMed 9384606; PubMed 12468273.

NM_005908.4(MANBA):c.178-2A>G

Gene: MANBA (mannosidase beta; minus strand). Cytogenetic location: 4q24.
Variant type: single nucleotide variant.
Coding change: c.178-2A>G on transcript NM_005908.4 (MANE Select); the canonical splice acceptor site of the intron before coding-DNA position 178, A replaced by G.
Molecular consequence: splice acceptor variant.
Genome position (GRCh38, 1-based): chr4:102,726,685, T>C on the plus strand (A>G on the coding strand, the complement: MANBA is on the minus strand). VCF-style: chr4-102726685-T-C. GRCh37 (hg19) VCF-style: chr4-103647842-T-C.
Identifiers: ClinVar variation 2873050 (VCV002873050.3), dbSNP rs769079323, ClinGen allele CA3027300.